The following is an entry in ClinVar:

NM_004655.4(AXIN2):c.1718G>A (p.Ser573Asn)

Gene: AXIN2 (axin 2; minus strand). Cytogenetic location: 17q24.1.
Variant type: single nucleotide variant.
Coding change: c.1718G>A on transcript NM_004655.4 (MANE Select); coding-DNA position 1718, G replaced by A.
Protein change: p.Ser573Asn; replaces serine 573 with asparagine.
Molecular consequence: missense variant. On other transcripts: intron variant (1).
Genome position (GRCh38, 1-based): chr17:65,537,058, C>T on the plus strand (G>A on the coding strand, the complement: AXIN2 is on the minus strand). VCF-style: chr17-65537058-C-T. GRCh37 (hg19) VCF-style: chr17-63533176-C-T.
Other names: c.1712+266G>A (NM_001363813.1); c.1718G>A (LRG_296t1); short protein forms S573N.
Identifiers: ClinVar variation 464568 (VCV000464568.16), dbSNP rs1165490589, ClinGen allele CA400676757.

ClinVar aggregate classification (germline): Uncertain significance. Review status: criteria provided, multiple submitters, no conflicts (2 of 4 stars). 3 submissions from 3 submitters: Uncertain significance (2). 1 of the submissions does not count toward it. Last evaluated 2026-02-01.

Conditions:
Hereditary cancer-predisposing syndrome. Also called: Neoplastic Syndromes, Hereditary; Tumor predisposition; Hereditary Cancer Syndrome; Hereditary neoplastic syndrome. Identifiers: Orphanet 140162, MedGen C0027672, MeSH D009386, MONDO:0015356.
Oligodontia-cancer predisposition syndrome. Also called: TOOTH AGENESIS-COLORECTAL CANCER SYNDROME. Identifiers: Orphanet 300576, MedGen C1837750, MONDO:0012075, OMIM 608615. Disease mechanism: loss of function.
AXIN2-related disorder.

Allele frequency attached by ClinVar (database versions not stated): gnomAD exomes below 0.00001 and 0.00001.
gnomAD v4.1: 4 of 1,604,264 alleles (0.00025%); highest among the groups gnomAD compares: East Asian, 0.0022%; no homozygotes.

Submissions (3):

Labcorp Genetics (formerly Invitae), Labcorp
Classification: Uncertain significance for Oligodontia-cancer predisposition syndrome. Last evaluated: 2026-02-01. Review status: criteria provided, single submitter. Criteria: Invitae Variant Classification Sherloc (09022015). Collection method: clinical testing. Allele origin: germline.
Comment: This sequence change replaces serine, which is neutral and polar, with asparagine, which is neutral and polar, at codon 573 of the AXIN2 protein (p.Ser573Asn). The frequency data for this variant in the population databases is considered unreliable, as metrics indicate poor data quality at this position in the gnomAD database. This variant has not been reported in the literature in individuals affected with AXIN2-related conditions. ClinVar contains an entry for this variant (Variation ID: 464568). Invitae Evidence Modeling of protein sequence and biophysical properties (such as structural, functional, and spatial information, amino acid conservation, physicochemical variation, residue mobility, and thermodynamic stability) indicates that this missense variant is not expected to disrupt AXIN2 protein function with a negative predictive value of 80%. In summary, the available evidence is currently insufficient to determine the role of this variant in disease. Therefore, it has been classified as a Variant of Uncertain Significance.

Ambry Genetics
Classification: Uncertain significance for Hereditary cancer-predisposing syndrome. Last evaluated: 2025-06-01. Review status: criteria provided, single submitter. Criteria: Ambry Variant Classification Scheme 2023. Collection method: clinical testing. Allele origin: germline.
Comment: The p.S573N variant (also known as c.1718G>A), located in coding exon 6 of the AXIN2 gene, results from a G to A substitution at nucleotide position 1718. The serine at codon 573 is replaced by asparagine, an amino acid with highly similar properties. This amino acid position is well conserved in available vertebrate species. In addition, this alteration is predicted to be tolerated by in silico analysis. Since supporting evidence is limited at this time, the clinical significance of this alteration remains unclear.

PreventionGenetics, part of Exact Sciences
Classification: Uncertain significance for AXIN2-related condition. Last evaluated: 2024-05-02. Review status: no assertion criteria provided. Collection method: clinical testing. Allele origin: germline. Not counted in ClinVar's aggregate classification.
Comment: The AXIN2 c.1718G>A variant is predicted to result in the amino acid substitution p.Ser573Asn. To our knowledge, this variant has not been reported in the literature. This variant is reported with 1 allele out of total ~235,000 alleles in gnomAD. This variant is interpreted as a variant of uncertain significance in ClinVar. At this time, the clinical significance of this variant is uncertain due to the absence of conclusive functional and genetic evidence.